The following is an entry in ClinVar:

ClinVar aggregate classification (germline): Uncertain significance (1 of 4 stars; one submission).

Submission:

Ambry Genetics
Classification: Uncertain significance. Last evaluated: 2022-01-21. Review status: criteria provided, single submitter. Criteria: Ambry Variant Classification Scheme 2023. Collection method: clinical testing. Allele origin: germline.
Comment: The p.L715P variant (also known as c.2144T>C), located in coding exon 18 of the RAD54L gene, results from a T to C substitution at nucleotide position 2144. The leucine at codon 715 is replaced by proline, an amino acid with similar properties. This amino acid position is conserved. In addition, this alteration is predicted to be deleterious by in silico analysis. Since supporting evidence is limited at this time, the clinical significance of this alteration remains unclear.

NM_003579.4(RAD54L):c.2144T>C (p.Leu715Pro)

Genes: LRRC41 (leucine rich repeat containing 41; minus strand), RAD54L (RAD54 like; plus strand). Cytogenetic location: 1p34.1.
Variant type: single nucleotide variant.
Coding change: c.2144T>C on transcript NM_003579.4 (MANE Select); coding-DNA position 2144, T replaced by C.
Protein change: p.Leu715Pro; replaces leucine 715 with proline.
Molecular consequence: missense variant. On other transcripts: 3 prime UTR variant (1).
Genome position (GRCh38, 1-based): chr1:46,278,182, T>C. VCF-style: chr1-46278182-T-C. GRCh37 (hg19) VCF-style: chr1-46743854-T-C.
Other names: c.*683A>G (NM_006369.5); c.2144T>C, p.Leu715Pro (NM_001142548.2); c.1604T>C, p.Leu535Pro (NM_001370766.1); short protein forms L715P, L535P.
Identifiers: ClinVar variation 1786635 (VCV001786635.2), dbSNP rs777178522, ClinGen allele CA340191331.
Genomic context (GRCh38, chr1:46,278,182, plus strand): 5'-ATGGTTCTGACTGCACTTCAGACCTGGCAGGGTGGAACCACTGCACTGATAAGTGGGGGC[T>C]CCGGGATGAGGTACTCCAGGCTGCCTGGGATGCTGCCTCCACTGCCATCACCTTCGTCTT-3'
Protein context (NP_003570.2, residues 705-725): GWNHCTDKWG[Leu715Pro]RDEVLQAAWD